The following is an entry in ClinVar:

ClinVar aggregate classification (germline): Uncertain significance (1 of 4 stars; one submission).

Submission:

GeneDx
Classification: Uncertain significance. Last evaluated: 2026-04-02. Review status: criteria provided, single submitter. Criteria: GeneDx Variant Classification Process June 2021. Collection method: clinical testing. Allele origin: germline.
Comment: Not observed at significant frequency in large population cohorts (gnomAD); In silico analysis suggests that this missense variant does not alter protein structure/function; Has not been previously published as pathogenic or benign to our knowledge

NM_022552.5(DNMT3A):c.214A>T (p.Ile72Phe)

Gene: DNMT3A (DNA methyltransferase 3 alpha; minus strand). Cytogenetic location: 2p23.3.
Variant type: single nucleotide variant.
Coding change: c.214A>T on transcript NM_022552.5 (MANE Select); coding-DNA position 214, A replaced by T.
Protein change: p.Ile72Phe; replaces isoleucine 72 with phenylalanine.
Molecular consequence: missense variant. On other transcripts: non-coding transcript variant (1).
Genome position (GRCh38, 1-based): chr2:25,282,675, T>A on the plus strand (A>T on the coding strand, the complement: DNMT3A is on the minus strand). VCF-style: chr2-25282675-T-A. GRCh37 (hg19) VCF-style: chr2-25505544-T-A.
Other names: c.214A>T, p.Ile72Phe (NM_001320892.2, NM_175629.2, NM_175630.1); short protein forms I72F.
Identifiers: ClinVar variation 5017960 (VCV005017960.1).